The following is an entry in ClinVar:

ClinVar aggregate classification (germline): Uncertain significance. Review status: criteria provided, multiple submitters, no conflicts (2 of 4 stars). 3 submissions from 3 submitters: Uncertain significance (3). Last evaluated 2025-01-27.

Conditions:
Ehlers-Danlos syndrome, musculocontractural type 2 (EDSMC2). Identifiers: Orphanet 2953, MedGen C3809845, MONDO:0014236, OMIM 615539.
Ehlers-Danlos syndrome (EDS). Identifiers: Orphanet 98249, MedGen C0013720, MONDO:0020066.
Inborn genetic diseases. Identifiers: MedGen C0950123, MeSH D030342.

Allele frequency attached by ClinVar (database versions not stated): ExAC 0.00004; gnomAD exomes 0.00005 and 0.00013; TOPMed 0.00005; gnomAD 0.00007 and 0.00008; 1000 Genomes Project 30x 0.00016; 1000 Genomes Project 0.00020; ESP Exome Variant Server 0.00023.
gnomAD v4.1: 193 of 1,614,112 alleles (0.012%); highest among the groups gnomAD compares: Non-Finnish European, 0.015%; no homozygotes.

Submissions (3):

Labcorp Genetics (formerly Invitae), Labcorp
Classification: Uncertain significance for Ehlers-Danlos syndrome, musculocontractural type 2. Last evaluated: 2025-01-27. Review status: criteria provided, single submitter. Criteria: Invitae Variant Classification Sherloc (09022015). Collection method: clinical testing. Allele origin: germline.
Comment: This sequence change replaces alanine, which is neutral and non-polar, with threonine, which is neutral and polar, at codon 408 of the DSE protein (p.Ala408Thr). This variant is present in population databases (rs150311697, gnomAD 0.01%). This variant has not been reported in the literature in individuals affected with DSE-related conditions. ClinVar contains an entry for this variant (Variation ID: 1702233). Invitae Evidence Modeling of protein sequence and biophysical properties (such as structural, functional, and spatial information, amino acid conservation, physicochemical variation, residue mobility, and thermodynamic stability) indicates that this missense variant is not expected to disrupt DSE protein function with a negative predictive value of 80%. In summary, the available evidence is currently insufficient to determine the role of this variant in disease. Therefore, it has been classified as a Variant of Uncertain Significance.

Ambry Genetics
Classification: Uncertain significance for Inborn genetic diseases. Last evaluated: 2024-01-23. Review status: criteria provided, single submitter. Criteria: Ambry Variant Classification Scheme 2023. Collection method: clinical testing. Allele origin: germline.

Genome Diagnostics Laboratory, The Hospital for Sick Children
Classification: Uncertain significance for Ehlers-Danlos syndrome. Last evaluated: 2019-04-01. Review status: criteria provided, single submitter. Criteria: ACMG Guidelines, 2015. Collection method: clinical testing. Allele origin: germline.

NM_013352.4(DSE):c.1222G>A (p.Ala408Thr)

Gene: DSE (dermatan sulfate epimerase; plus strand). Cytogenetic location: 6q22.1.
Variant type: single nucleotide variant.
Coding change: c.1222G>A on transcript NM_013352.4 (MANE Select); coding-DNA position 1222, G replaced by A.
Protein change: p.Ala408Thr; replaces alanine 408 with threonine.
Molecular consequence: missense variant. On other transcripts: 3 prime UTR variant (2), non-coding transcript variant (1).
Genome position (GRCh38, 1-based): chr6:116,435,690, G>A. VCF-style: chr6-116435690-G-A. GRCh37 (hg19) VCF-style: chr6-116756853-G-A.
Other names: c.1222G>A, p.Ala408Thr (NM_001080976.3, NM_001322937.2, NM_001322938.2); c.1279G>A, p.Ala427Thr (NM_001322939.2); c.661G>A, p.Ala221Thr (NM_001322940.2, NM_001322941.2); c.*87G>A (NM_001322943.2, NM_001322944.2); c.223G>A, p.Ala75Thr (NM_001374520.1); c.187G>A, p.Ala63Thr (NM_001374521.1); c.1222G>A (NM_013352.2); short protein forms A221T, A408T, A427T, A63T, A75T.
Identifiers: ClinVar variation 1702233 (VCV001702233.7), dbSNP rs150311697, ClinGen allele CA3969642.